The following is an entry in ClinVar:

ClinVar aggregate classification (germline): Uncertain significance (1 of 4 stars; one submission).

Conditions:
Wilms tumor 1 (WT1). Also called: Wilms tumor, somatic. Identifiers: Orphanet 654, MedGen CN033288, MONDO:0008679, OMIM 194070.

Submission:

Labcorp Genetics (formerly Invitae), Labcorp
Classification: Uncertain significance for Wilms tumor 1. Last evaluated: 2016-11-28. Review status: criteria provided, single submitter. Criteria: Invitae Variant Classification Sherloc (09022015). Collection method: clinical testing. Allele origin: germline.
Comment: In summary, this variant is a novel missense change with uncertain impact on protein function. It has been classified as a Variant of Uncertain Significance. This sequence change replaces histidine with tyrosine at codon 580 of the GPC3 protein (p.His580Tyr). The histidine residue is weakly conserved and there is a moderate physicochemical difference between histidine and tyrosine. This variant is not present in population databases (ExAC no frequency) and has not been reported in the literature in individuals with a GPC3-related disease. Algorithms developed to predict the effect of missense changes on protein structure and function do not agree on the potential impact of this missense change (SIFT: "Tolerated"; PolyPhen-2: "Probably Damaging"; Align-GVGD: "Class C0").

NM_004484.4(GPC3):c.1738C>T (p.His580Tyr)

Gene: GPC3 (glypican 3; minus strand). Cytogenetic location: Xq26.2.
Variant type: single nucleotide variant.
Coding change: c.1738C>T on transcript NM_004484.4 (MANE Select); coding-DNA position 1738, C replaced by T.
Protein change: p.His580Tyr; replaces histidine 580 with tyrosine.
Molecular consequence: missense variant.
Genome position (GRCh38, 1-based): chrX:133,536,129, G>A on the plus strand (C>T on the coding strand, the complement: GPC3 is on the minus strand). VCF-style: chrX-133536129-G-A. GRCh37 (hg19) VCF-style: chrX-132670157-G-A.
Other names: c.1807C>T, p.His603Tyr (NM_001164617.2); c.1690C>T, p.His564Tyr (NM_001164618.2); c.1576C>T, p.His526Tyr (NM_001164619.2); short protein forms H580Y, H526Y, H564Y, H603Y.
Identifiers: ClinVar variation 408896 (VCV000408896.9), dbSNP rs1060502173, ClinGen allele CA16616423.